The following is an entry in ClinVar:

NM_018847.4(KLHL9):c.1045C>A (p.Leu349Ile)

Gene: KLHL9 (kelch like family member 9; minus strand). Cytogenetic location: 9p21.3.
Variant type: single nucleotide variant.
Coding change: c.1045C>A on transcript NM_018847.4 (MANE Select); coding-DNA position 1045, C replaced by A.
Protein change: p.Leu349Ile; replaces leucine 349 with isoleucine.
Molecular consequence: missense variant.
Genome position (GRCh38, 1-based): chr9:21,333,815, G>T on the plus strand (C>A on the coding strand, the complement: KLHL9 is on the minus strand). VCF-style: chr9-21333815-G-T. GRCh37 (hg19) VCF-style: chr9-21333814-G-T.
Other names: short protein forms L349I.
Identifiers: ClinVar variation 2820172 (VCV002820172.3), dbSNP rs368659358, ClinGen allele CA190666808.

ClinVar aggregate classification (germline): Uncertain significance (1 of 4 stars; one submission).

Submission:

Labcorp Genetics (formerly Invitae), Labcorp
Classification: Uncertain significance. Last evaluated: 2022-12-13. Review status: criteria provided, single submitter. Criteria: Invitae Variant Classification Sherloc (09022015). Collection method: clinical testing. Allele origin: germline.
Comment: In summary, the available evidence is currently insufficient to determine the role of this variant in disease. Therefore, it has been classified as a Variant of Uncertain Significance. Advanced modeling of protein sequence and biophysical properties (such as structural, functional, and spatial information, amino acid conservation, physicochemical variation, residue mobility, and thermodynamic stability) performed at Invitae indicates that this missense variant is not expected to disrupt KLHL9 protein function. This variant has not been reported in the literature in individuals affected with KLHL9-related conditions. This variant is not present in population databases (gnomAD no frequency). This sequence change replaces leucine, which is neutral and non-polar, with isoleucine, which is neutral and non-polar, at codon 349 of the KLHL9 protein (p.Leu349Ile).